The following is an entry in ClinVar:

ClinVar aggregate classification (germline): Uncertain significance (1 of 4 stars; one submission).

Conditions:
Dyskeratosis congenita, autosomal recessive 6 (DKCB6). Identifiers: MedGen C4225356, MONDO:0014600, OMIM 616353.
Pulmonary fibrosis and/or bone marrow failure, Telomere-related, 4. Also called: PULMONARY FIBROSIS AND/OR BONE MARROW FAILURE SYNDROME, TELOMERE-RELATED, 4. Identifiers: Orphanet 2032, MedGen C4225347, MONDO:0014612, OMIM 616371.

gnomAD v4.1: 2 of 1,421,562 alleles (0.00014%); highest among the groups gnomAD compares: South Asian, 0.0011%; no homozygotes.

Submission:

Labcorp Genetics (formerly Invitae), Labcorp
Classification: Uncertain significance for Dyskeratosis congenita, autosomal recessive 6; Pulmonary fibrosis and/or bone marrow failure, Telomere-related, 4. Last evaluated: 2022-06-03. Review status: criteria provided, single submitter. Criteria: Invitae Variant Classification Sherloc (09022015). Collection method: clinical testing. Allele origin: germline.
Comment: In summary, the available evidence is currently insufficient to determine the role of this variant in disease. Therefore, it has been classified as a Variant of Uncertain Significance. Variants that disrupt the consensus splice site are a relatively common cause of aberrant splicing (PMID: 17576681, 9536098). Algorithms developed to predict the effect of sequence changes on RNA splicing suggest that this variant may create or strengthen a splice site. This sequence change falls in intron 6 of the PARN gene. It does not directly change the encoded amino acid sequence of the PARN protein. It affects a nucleotide within the consensus splice site. This variant is not present in population databases (gnomAD no frequency). This variant has not been reported in the literature in individuals affected with PARN-related conditions.

Literature cited by the submitters: PubMed 17576681; PubMed 9536098.

NM_002582.4(PARN):c.388+6A>T

Gene: PARN (poly(A)-specific ribonuclease; minus strand). Cytogenetic location: 16p13.12.
Variant type: single nucleotide variant.
Coding change: c.388+6A>T on transcript NM_002582.4 (MANE Select); 6 bases into the intron after coding-DNA position 388, A replaced by T.
Molecular consequence: intron variant.
Genome position (GRCh38, 1-based): chr16:14,617,584, T>A on the plus strand (A>T on the coding strand, the complement: PARN is on the minus strand). VCF-style: chr16-14617584-T-A. GRCh37 (hg19) VCF-style: chr16-14711441-T-A.
Other names: c.205+6A>T (NM_001134477.3); c.250+6A>T (NM_001242992.2).
Identifiers: ClinVar variation 2174753 (VCV002174753.4), dbSNP rs2508493942, ClinGen allele CA2580090731.